The following is an entry in ClinVar:

NM_000180.4(GUCY2D):c.2354A>C (p.Lys785Thr)

Gene: GUCY2D (guanylate cyclase 2D, retinal; plus strand). Cytogenetic location: 17p13.1.
Variant type: single nucleotide variant.
Coding change: c.2354A>C on transcript NM_000180.4 (MANE Select); coding-DNA position 2354, A replaced by C.
Protein change: p.Lys785Thr; replaces lysine 785 with threonine.
Molecular consequence: missense variant.
Genome position (GRCh38, 1-based): chr17:8,013,970, A>C. VCF-style: chr17-8013970-A-C. GRCh37 (hg19) VCF-style: chr17-7917288-A-C.
Other names: short protein forms K785T.
Identifiers: ClinVar variation 2942958 (VCV002942958.3), dbSNP rs2545425413, ClinGen allele CA397953237.
Genomic context (GRCh38, chr17:8,013,970, plus strand): 5'-CACTGTGTCGGCCCTTGGTGTCCATGGACCAGGCACCTGTCGAGTGTATCCTCCTGATGA[A>C]GCAGTGCTGGGCAGAGCAGCCGGAACTTCGGCCCTCCATGGACCACACCTTCGACCTGGT-3'
Protein context (NP_000171.1, residues 775-795): QAPVECILLM[Lys785Thr]QCWAEQPELR

ClinVar aggregate classification (germline): Uncertain significance (1 of 4 stars; one submission).

Conditions:
Cone-rod dystrophy 6 (CORD6). Also called: RETINAL CONE DYSTROPHY 2; Cone dystrophy progressive. Identifiers: Orphanet 1872, MedGen C1866293, MONDO:0011143, OMIM 601777.
Leber congenital amaurosis 1 (LCA1). Also called: AMAUROSIS CONGENITA OF LEBER I; RETINAL BLINDNESS, CONGENITAL; Congenital absence of the rods and cones; Leber's congenital tapetoretinal degeneration; Leber's congenital tapetoretinal dysplasia. Identifiers: Orphanet 65, MedGen C2931258, MONDO:0008764, OMIM 204000.

Submission:

Labcorp Genetics (formerly Invitae), Labcorp
Classification: Uncertain significance for Leber congenital amaurosis 1; Cone-rod dystrophy 6. Last evaluated: 2023-06-16. Review status: criteria provided, single submitter. Criteria: Invitae Variant Classification Sherloc (09022015). Collection method: clinical testing. Allele origin: germline.
Comment: In summary, the available evidence is currently insufficient to determine the role of this variant in disease. Therefore, it has been classified as a Variant of Uncertain Significance. This sequence change replaces lysine, which is basic and polar, with threonine, which is neutral and polar, at codon 785 of the GUCY2D protein (p.Lys785Thr). This variant is not present in population databases (gnomAD no frequency). This variant has not been reported in the literature in individuals affected with GUCY2D-related conditions. Advanced modeling of protein sequence and biophysical properties (such as structural, functional, and spatial information, amino acid conservation, physicochemical variation, residue mobility, and thermodynamic stability) performed at Invitae indicates that this missense variant is not expected to disrupt GUCY2D protein function.